The following is an entry in ClinVar:

NM_001079866.2(BCS1L):c.727C>G (p.Leu243Val)

Gene: BCS1L (BCS1 ubiquinol-cytochrome c reductase complex chaperone; plus strand). Cytogenetic location: 2q35.
Variant type: single nucleotide variant.
Coding change: c.727C>G on transcript NM_001079866.2 (MANE Select); coding-DNA position 727, C replaced by G.
Protein change: p.Leu243Val; replaces leucine 243 with valine.
Molecular consequence: missense variant. On other transcripts: non-coding transcript variant (1).
Genome position (GRCh38, 1-based): chr2:218,662,517, C>G. VCF-style: chr2-218662517-C-G. GRCh37 (hg19) VCF-style: chr2-219527240-C-G.
Other names: c.727C>G, p.Leu243Val (NM_001257342.2, NM_001257343.2, NM_001257344.2 and 10 more transcripts); c.367C>G, p.Leu123Val (NM_001318836.2, NM_001371451.1); c.226C>G, p.Leu76Val (NM_001371452.1, NM_001371453.1, NM_001371454.1 and 3 more transcripts); short protein forms L243V, L76V, L123V.
Identifiers: ClinVar variation 2178063 (VCV002178063.2), dbSNP rs1476347003, ClinGen allele CA350629735.

ClinVar aggregate classification (germline): Uncertain significance (1 of 4 stars; one submission).

Allele frequency attached by ClinVar (database versions not stated): gnomAD exomes below 0.00001; gnomAD 0.00001; TOPMed 0.00001.
gnomAD v4.1: 3 of 1,613,766 alleles (0.00019%); highest among the groups gnomAD compares: African/African-American, 0.004%; no homozygotes.

Submission:

Labcorp Genetics (formerly Invitae), Labcorp
Classification: Uncertain significance. Last evaluated: 2025-06-12. Review status: criteria provided, single submitter. Criteria: Invitae Variant Classification Sherloc (09022015). Collection method: clinical testing. Allele origin: germline.
Comment: This sequence change replaces leucine, which is neutral and non-polar, with valine, which is neutral and non-polar, at codon 243 of the BCS1L protein (p.Leu243Val). This variant is present in population databases (no rsID available, gnomAD 0.007%). This variant has not been reported in the literature in individuals affected with BCS1L-related conditions. ClinVar contains an entry for this variant (Variation ID: 2178063). Invitae Evidence Modeling of protein sequence and biophysical properties (such as structural, functional, and spatial information, amino acid conservation, physicochemical variation, residue mobility, and thermodynamic stability) has been performed for this missense variant. However, the output from this modeling did not meet the statistical confidence thresholds required to predict the impact of this variant on BCS1L protein function. In summary, the available evidence is currently insufficient to determine the role of this variant in disease. Therefore, it has been classified as a Variant of Uncertain Significance.